The following is an entry in ClinVar:

ClinVar aggregate classification (germline): Pathogenic (1 of 4 stars; one submission).

Conditions:
Combined oxidative phosphorylation defect type 14. Also called: Combined oxidative phosphorylation deficiency 14. Identifiers: Orphanet 319519, MedGen C4755312, MONDO:0013986, OMIM 614946.

Submission:

Labcorp Genetics (formerly Invitae), Labcorp
Classification: Pathogenic for Combined oxidative phosphorylation defect type 14. Last evaluated: 2020-07-29. Review status: criteria provided, single submitter. Criteria: Invitae Variant Classification Sherloc (09022015). Collection method: clinical testing. Allele origin: germline.
Comment: This variant is an out-of-frame deletion of the genomic region encompassing exon 5 of the FARS2 gene. This is expected to create a premature translational stop signal and result in an absent or disrupted protein product. This variant has not been reported in the literature in individuals with FARS2-related conditions. Loss-of-function variants in FARS2 are known to be pathogenic (PMID: 22833457). For these reasons, this variant has been classified as Pathogenic.

Literature cited by the submitters: PubMed 22833457.

NC_000006.11:g.(?_5545403)_(5545583_?)del

Gene: FARS2 (phenylalanyl-tRNA synthetase 2, mitochondrial; plus strand). Cytogenetic location: 6p25.1.
Variant type: Deletion.
Identifiers: ClinVar variation 1076463 (VCV001076463.1).